The following is an entry in ClinVar:

NC_000023.10:g.(31525571_31645789)_(31792310_31838091)del

Gene: DMD (dystrophin; minus strand). Cytogenetic location: Xp21.1.
Variant type: Deletion.
Identifiers: ClinVar variation 4688916 (VCV004688916.1).

ClinVar aggregate classification (germline): Pathogenic (1 of 4 stars; one submission).

Conditions:
Neuromuscular disease caused by qualitative or quantitative defects of dystrophin. Also called: Qualitative or quantitative defects of dystrophin. Identifiers: Orphanet 207085, MedGen C5679787, MONDO:0016147.

Submission:

Women's Health and Genetics/Laboratory Corporation of America, LabCorp
Classification: Pathogenic for Neuromuscular disease caused by qualitative or quantitative defects of dystrophin. Last evaluated: 2025-12-22. Review status: criteria provided, single submitter. Criteria: LabCorp Variant Classification Summary - May 2015. Collection method: clinical testing. Allele origin: germline.
Comment: Variant summary: The variant involves the deletion of exons 51-55 in the DMD gene. A presumed nomenclature of c.(7309+1_7310-1)_(8217+1_8218-1)del has been designated for the purposes of this classification. This Copy Number Variant (CNV) is expected to alter the reading frame and predicted to result in a truncation or absence of the encoded protein due to nonsense mediated decay (NMD). Loss-of-function variants in this gene are known to be pathogenic. The variant was absent in 16120 control chromosomes. c.(7309+1_7310-1)_(8217+1_8218-1)del has been observed in individual(s) affected with Dystrophinopathies (e.g. Luce_2016). These data indicate that the variant may be associated with disease. To our knowledge, no experimental evidence demonstrating an impact on protein function has been reported. The following publication has been ascertained in the context of this evaluation (PMID: 27206868). ClinVar contains an entry for this variant (Variation ID: 640997). Based on the evidence outlined above, the variant was classified as pathogenic.

Literature cited by the submitters: PubMed 27206868.